The following is an entry in ClinVar:

ClinVar aggregate classification (germline): Benign/Likely benign. Review status: criteria provided, multiple submitters, no conflicts (2 of 4 stars). 4 submissions from 4 submitters: Benign (2); Likely benign (1). 1 of the submissions does not count toward it. Last evaluated 2026-02-01.

Conditions:
RFX6-related disorder. Also called: RFX6-related condition.

Allele frequency attached by ClinVar (database versions not stated): ESP Exome Variant Server 0.00327; gnomAD 0.00338 and 0.00618; TOPMed 0.00395; gnomAD exomes 0.00876 and 0.01543; ExAC 0.01769; 1000 Genomes Project 30x 0.01905; 1000 Genomes Project 0.02077.
gnomAD v4.1: 13,824 of 1,611,366 alleles (0.86%); highest among the groups gnomAD compares: South Asian, 9.3%; 521 homozygotes.

Submissions (4):

Labcorp Genetics (formerly Invitae), Labcorp
Classification: Benign. Last evaluated: 2026-02-01. Review status: criteria provided, single submitter. Criteria: Invitae Variant Classification Sherloc (09022015). Collection method: clinical testing. Allele origin: germline.

Blueprint Genetics
Classification: Likely benign. Last evaluated: 2024-11-26. Review status: criteria provided, single submitter. Criteria: ACMG Guidelines, 2015. Collection method: clinical testing. Allele origin: germline.

GeneDx
Classification: Benign. Last evaluated: 2021-04-15. Review status: criteria provided, single submitter. Criteria: GeneDx Variant Classification Process June 2021. Collection method: clinical testing. Allele origin: germline. Affected: yes.

PreventionGenetics, part of Exact Sciences
Classification: Benign for RFX6-related condition. Last evaluated: 2019-06-25. Review status: no assertion criteria provided. Collection method: clinical testing. Allele origin: germline. Not counted in ClinVar's aggregate classification.
Comment: This variant is classified as benign based on ACMG/AMP sequence variant interpretation guidelines (Richards et al. 2015 PMID: 25741868, with internal and published modifications).

NM_173560.4(RFX6):c.2398+8T>C

Gene: RFX6 (regulatory factor X6; plus strand). Cytogenetic location: 6q22.1.
Variant type: single nucleotide variant.
Coding change: c.2398+8T>C on transcript NM_173560.4 (MANE Select); 8 bases into the intron after coding-DNA position 2398, T replaced by C.
Molecular consequence: intron variant.
Genome position (GRCh38, 1-based): chr6:116,927,547, T>C. VCF-style: chr6-116927547-T-C. GRCh37 (hg19) VCF-style: chr6-117248710-T-C.
Other names: c.2398+8T>C (NM_173560.3).
Identifiers: ClinVar variation 1224114 (VCV001224114.14), dbSNP rs147610306, ClinGen allele CA3973526.